The following is an entry in ClinVar:

NM_015450.3(POT1):c.1687-98T>G

Gene: POT1 (protection of telomeres 1; minus strand). Cytogenetic location: 7q31.33.
Variant type: single nucleotide variant.
Coding change: c.1687-98T>G on transcript NM_015450.3 (MANE Select); 98 bases into the intron before coding-DNA position 1687, T replaced by G.
Molecular consequence: intron variant.
Genome position (GRCh38, 1-based): chr7:124,825,455, A>C on the plus strand (T>G on the coding strand, the complement: POT1 is on the minus strand). VCF-style: chr7-124825455-A-C. GRCh37 (hg19) VCF-style: chr7-124465509-A-C.
Other names: c.1294-98T>G (NM_001042594.2).
Identifiers: ClinVar variation 677019 (VCV000677019.2), dbSNP rs10250202, ClinGen allele CA166093200.

ClinVar aggregate classification (germline): Benign. Review status: criteria provided, multiple submitters, no conflicts (2 of 4 stars). 2 submissions from 2 submitters: Benign (2). Last evaluated 2018-06-12.

Allele frequency attached by ClinVar (database versions not stated): TOPMed 0.39520; gnomAD 0.39757 and 0.39759; gnomAD exomes 0.40416; 1000 Genomes Project 30x 0.41833; 1000 Genomes Project 0.41873.
gnomAD v4.1: 280,075 of 694,240 alleles (40%); highest among the groups gnomAD compares: East Asian, 47%; 57,063 homozygotes.

Submissions (2):

GeneDx
Classification: Benign. Last evaluated: 2018-06-12. Review status: criteria provided, single submitter. Criteria: GeneDx Variant Classification (06012015). Collection method: clinical testing. Allele origin: germline. Affected: yes.
Comment: This variant is considered likely benign or benign based on one or more of the following criteria: it is a conservative change, it occurs at a poorly conserved position in the protein, it is predicted to be benign by multiple in silico algorithms, and/or has population frequency not consistent with disease.

Breakthrough Genomics
Classification: Benign. Review status: criteria provided, single submitter. Criteria: ACMG Guidelines, 2015. Collection method: not provided. Allele origin: germline. Inheritance: Autosomal dominant inheritance. Affected: yes.